The following is an entry in ClinVar:

ClinVar aggregate classification (germline): Uncertain significance (1 of 4 stars; one submission).

Submission:

Labcorp Genetics (formerly Invitae), Labcorp
Classification: Uncertain significance. Last evaluated: 2019-08-22. Review status: criteria provided, single submitter. Criteria: Invitae Variant Classification Sherloc (09022015). Collection method: clinical testing. Allele origin: germline.
Comment: This variant results in a copy number gain of the genomic region encompassing exons 79-83 of the ADGRV1 gene. While the exact position of this variant cannot be determined from this data, sub-genic copy number gains are generally in tandem (PMID: 25640679). This variant would be expected to be in-frame, preserving the integrity of the reading frame. This variant has been observed in individuals affected with Usher syndrome (PMID: 22147658, 25404053). This variant is also known as GPR98 c.17020-?_17856+?dup in the literature. In summary, the available evidence is currently insufficient to determine the role of this variant in disease. Therefore, it has been classified as a Variant of Uncertain Significance.

Literature cited by the submitters: PubMed 25404053; PubMed 22147658.

NC_000005.10:g.(?_90848637)_(90863857_?)dup

Gene: ADGRV1 (adhesion G protein-coupled receptor V1; plus strand). Cytogenetic location: 5q14.3.
Variant type: Duplication.
Identifiers: ClinVar variation 832515 (VCV000832515.1).